The following is an entry in ClinVar:

ClinVar aggregate classification (germline): Pathogenic (1 of 4 stars; one submission).

Conditions:
Fabry disease. Also called: ALPHA-GALACTOSIDASE A DEFICIENCY; ANDERSON-FABRY DISEASE; CERAMIDE TRIHEXOSIDASE DEFICIENCY; GLA DEFICIENCY; HEREDITARY DYSTOPIC LIPIDOSIS; Angiokeratoma corporis diffusum. Identifiers: Orphanet 324, MedGen C0002986, MONDO:0010526, OMIM 301500, HP:0001071. Disease mechanism: Fabry disease is due to inactivating mutations in the X-linked GLA gene resulting in deficiency of the enzyme Alpha Galactosidase-A., loss of function.

Submission:

Genomenon, Inc
Classification: Pathogenic for Fabry disease. Last evaluated: 2026-09-08. Review status: criteria provided, single submitter. Criteria: Genomenon Sequence Variant Interpretation Standards - Updated. Collection method: curation. Allele origin: germline. Affected: yes.
Comment: GLA p.Gln312Ter (c.934C>T) is a nonsense variant that introduces a premature stop codon at amino acid position 312 and is predicted to result in a truncated or absent protein product. This variant has been observed in at least one proband with clinical features consistent with Fabry disease (PMID:35971858). It is absent or not present at a significant frequency in gnomAD. In conclusion, we classify GLA p.Gln312Ter (c.934C>T) as a pathogenic variant.

Literature cited by the submitters: PubMed 35971858.

NM_000169.3(GLA):c.934C>T (p.Gln312Ter)

Genes: GLA (galactosidase alpha; minus strand), RPL36A-HNRNPH2 (RPL36A-HNRNPH2 readthrough; plus strand). Cytogenetic location: Xq22.1.
Variant type: single nucleotide variant.
Coding change: c.934C>T on transcript NM_000169.3 (MANE Select); coding-DNA position 934, C replaced by T.
Protein change: p.Gln312Ter; replaces glutamine 312 with a stop codon.
Molecular consequence: nonsense. On other transcripts: non-coding transcript variant (3), intron variant (2).
Genome position (GRCh38, 1-based): chrX:101,398,435, G>A on the plus strand (C>T on the coding strand, the complement: GLA is on the minus strand). VCF-style: chrX-101398435-G-A. GRCh37 (hg19) VCF-style: chrX-100653423-G-A.
Other names: c.1057C>T, p.Gln353Ter (NM_001406747.1); c.934C>T, p.Gln312Ter (NM_001406748.1); c.300+2978G>A (NM_001199973.2); c.177+6613G>A (NM_001199974.2); short protein forms Q312*, Q353*.
Identifiers: ClinVar variation 4087184 (VCV004087184.2).
Genomic context (GRCh38, chrX:101,398,435, plus strand): 5'-TAAGCTGGTACCCTTGCTTGCCCAAGGGGTCCTGATTGATGGCAATTACGTCCTTATCCT[G>A]AAGGAGAGCTTTGGCTTGAGGGCTGATGTGTCGGAGGTCATTAGACATGAATAAAGGAGC-3'